The following is an entry in ClinVar:

NM_006343.3(MERTK):c.1868T>C (p.Leu623Ser)

Gene: MERTK (MER proto-oncogene, tyrosine kinase; plus strand). Cytogenetic location: 2q13.
Variant type: single nucleotide variant.
Coding change: c.1868T>C on transcript NM_006343.3 (MANE Select); coding-DNA position 1868, T replaced by C.
Protein change: p.Leu623Ser; replaces leucine 623 with serine.
Molecular consequence: missense variant.
Genome position (GRCh38, 1-based): chr2:112,008,383, T>C. VCF-style: chr2-112008383-T-C. GRCh37 (hg19) VCF-style: chr2-112765960-T-C.
Other names: short protein forms L623S.
Identifiers: ClinVar variation 1005612 (VCV001005612.9), dbSNP rs780007963, ClinGen allele CA1831578.

ClinVar aggregate classification (germline): Uncertain significance. Review status: criteria provided, single submitter (1 of 4 stars). 2 submissions from 2 submitters: Uncertain significance (1). 1 of the submissions does not count toward it. Last evaluated 2020-08-01.

Conditions:
Retinal dystrophy. Also called: Inherited retinal dystrophy. Identifiers: Orphanet 71862, MedGen C0854723, MeSH D058499, MONDO:0019118, HP:0000556.

Allele frequency attached by ClinVar (database versions not stated): ExAC 0.00003.

Submissions (2):

Labcorp Genetics (formerly Invitae), Labcorp
Classification: Uncertain significance. Last evaluated: 2020-08-01. Review status: criteria provided, single submitter. Criteria: Invitae Variant Classification Sherloc (09022015). Collection method: clinical testing. Allele origin: germline.
Comment: In summary, the available evidence is currently insufficient to determine the role of this variant in disease. Therefore, it has been classified as a Variant of Uncertain Significance. Algorithms developed to predict the effect of missense changes on protein structure and function are either unavailable or do not agree on the potential impact of this missense change (SIFT: "Deleterious"; PolyPhen-2: "Probably Damaging"; Align-GVGD: "Class C0"). This variant has not been reported in the literature in individuals with MERTK-related conditions. This variant is present in population databases (rs780007963, ExAC 0.02%). This sequence change replaces leucine with serine at codon 623 of the MERTK protein (p.Leu623Ser). The leucine residue is highly conserved and there is a large physicochemical difference between leucine and serine.

Institute of Human Genetics, Univ. Regensburg, Univ. Regensburg
Classification: Uncertain significance for Retinal dystrophy. Last evaluated: 2022-01-01. Review status: no assertion criteria provided. Criteria: ACMG Guidelines, 2015. Collection method: clinical testing. Allele origin: germline. Affected: yes. Not counted in ClinVar's aggregate classification.